The following is an entry in ClinVar:

ClinVar aggregate classification (germline): Uncertain significance (1 of 4 stars; one submission).

Conditions:
Ataxia-telangiectasia syndrome (AT). Also called: ATAXIA-TELANGIECTASIA, COMPLEMENTATION GROUP A; ATAXIA-TELANGIECTASIA, FRESNO VARIANT; Ataxia-telangiectasia; Ataxia-telangiectasia, complementation group D; Ataxia-telangiectasia, complementation group E; Ataxia telangiectasia (A-T). Identifiers: Orphanet 100, MedGen C0004135, MONDO:0008840, OMIM 208900.

Submission:

Labcorp Genetics (formerly Invitae), Labcorp
Classification: Uncertain significance for Ataxia-telangiectasia syndrome. Last evaluated: 2021-06-01. Review status: criteria provided, single submitter. Criteria: Invitae Variant Classification Sherloc (09022015). Collection method: clinical testing. Allele origin: germline.
Comment: This sequence change inserts a large fragment of DNA, likely a transposable element, in intron 27 of the ATM gene. It does not directly change the encoded amino acid sequence of the ATM protein. This variant is not present in population databases (ExAC no frequency). In summary, the available evidence is currently insufficient to determine the role of this variant in disease. Therefore, it has been classified as a Variant of Uncertain Significance. Experimental studies and prediction algorithms are not available or were not evaluated, and the effect of this variant on mRNA splicing is currently unknown. This variant has not been reported in the literature in individuals with ATM-related conditions.

NM_000051.4(ATM):c.4109+14_4109+15insTTTTTTTTTTTTTTTTTTTTNNNNNNNNNNGGAGGGAGAGGGAGAGGGAGAGGGAGAGGGAGGGGGAGGGAGAGGGAGAGGGAGAGGGAGAGCGTACATTTTA

Gene: ATM (ATM serine/threonine kinase; plus strand). Cytogenetic location: 11q22.3.
Variant type: Insertion.
Coding change: c.4109+14_4109+15insTTTTTTTTTTTTTTTTTTTTNNNNNNNNNNGGAGGGAGAGGGAGAGGGAGAGGGAGAGGGAGGGGGAGGGAGAGGGAGAGGGAGAGGGAGAGCGTACATTTTA on transcript NM_000051.4 (MANE Select); bases 14 to 15 of the intron after coding-DNA position 4109, TTTTTTTTTTTTTTTTTTTTNNNNNNNNNNGGAGGGAGAGGGAGAGGGAGAGGGAGAGGGAGGGGGAGGGAGAGGGAGAGGGAGAGGGAGAGCGTACATTTTA inserted.
Molecular consequence: intron variant.
Genome position: GRCh38: chr11:108,287,729-108,287,730. GRCh37 (hg19): chr11:108,158,456-108,158,457.
Other names: c.4109+14_4109+15insTTTTTTTTTTTTTTTTTTTTNNNNNNNNNNGGAGGGAGAGGGAGAGGGAGAGGGAGAGGGAGGGGGAGGGAGAGGGAGAGGGAGAGGGAGAGCGTACATTTTA (NM_001351834.2).
Identifiers: ClinVar variation 1358326 (VCV001358326.8), dbSNP rs2135738255.